The following is an entry in ClinVar:

ClinVar aggregate classification (germline): Uncertain significance. Review status: criteria provided, multiple submitters, no conflicts (2 of 4 stars). 3 submissions from 3 submitters: Uncertain significance (3). Last evaluated 2024-10-21.

Conditions:
Inborn genetic diseases. Identifiers: MedGen C0950123, MeSH D030342.
Osteogenesis imperfecta (OI). Identifiers: Orphanet 666, MedGen C0029434, MeSH D010013, MONDO:0019019.
Osteogenesis imperfecta type 7 (OI7). Also called: OSTEOGENESIS IMPERFECTA, TYPE IIB; Osteogenesis imperfecta type 2B; OI type 2B; Osteogenesis imperfecta, perinatal lethal autosomal recessive; OI type IIB; OI type 7. Identifiers: MedGen C1853162, MONDO:0012536, OMIM 610682.

Allele frequency attached by ClinVar (database versions not stated): gnomAD exomes 0.00002; TOPMed 0.00002; gnomAD 0.00003; ExAC 0.00008.
gnomAD v4.1: 101 of 1,533,120 alleles (0.0066%); highest among the groups gnomAD compares: Non-Finnish European, 0.0084%; no homozygotes.

Submissions (3):

Ambry Genetics
Classification: Uncertain significance for Inborn genetic diseases. Last evaluated: 2024-10-21. Review status: criteria provided, single submitter. Criteria: Ambry Variant Classification Scheme 2023. Collection method: clinical testing. Allele origin: germline.

Labcorp Genetics (formerly Invitae), Labcorp
Classification: Uncertain significance for Osteogenesis imperfecta type 7. Last evaluated: 2022-10-03. Review status: criteria provided, single submitter. Criteria: Invitae Variant Classification Sherloc (09022015). Collection method: clinical testing. Allele origin: germline.
Comment: This sequence change replaces tyrosine, which is neutral and polar, with cysteine, which is neutral and slightly polar, at codon 103 of the CRTAP protein (p.Tyr103Cys). This variant is present in population databases (rs769117004, gnomAD 0.008%). This variant has not been reported in the literature in individuals affected with CRTAP-related conditions. ClinVar contains an entry for this variant (Variation ID: 1361965). Advanced modeling of protein sequence and biophysical properties (such as structural, functional, and spatial information, amino acid conservation, physicochemical variation, residue mobility, and thermodynamic stability) performed at Invitae indicates that this missense variant is not expected to disrupt CRTAP protein function. In summary, the available evidence is currently insufficient to determine the role of this variant in disease. Therefore, it has been classified as a Variant of Uncertain Significance.

Genome Diagnostics Laboratory, The Hospital for Sick Children
Classification: Uncertain significance for Osteogenesis imperfecta. Last evaluated: 2020-05-01. Review status: criteria provided, single submitter. Criteria: ACMG Guidelines, 2015. Collection method: clinical testing. Allele origin: germline.

NM_006371.5(CRTAP):c.308A>G (p.Tyr103Cys)

Gene: CRTAP (cartilage associated protein; plus strand). Cytogenetic location: 3p22.3.
Variant type: single nucleotide variant.
Coding change: c.308A>G on transcript NM_006371.5 (MANE Select); coding-DNA position 308, A replaced by G.
Protein change: p.Tyr103Cys; replaces tyrosine 103 with cysteine.
Molecular consequence: missense variant.
Genome position (GRCh38, 1-based): chr3:33,114,385, A>G. VCF-style: chr3-33114385-A-G. GRCh37 (hg19) VCF-style: chr3-33155877-A-G.
Other names: c.308A>G, p.Tyr103Cys (NM_001393363.1, NM_001393364.1, NM_001393365.1); short protein forms Y103C.
Identifiers: ClinVar variation 1361965 (VCV001361965.8), dbSNP rs769117004, ClinGen allele CA2300243.